The following is an entry in ClinVar:

ClinVar aggregate classification (germline): Pathogenic/Likely pathogenic. Review status: criteria provided, multiple submitters, no conflicts (2 of 4 stars). 2 submissions from 2 submitters: Pathogenic (1); Likely pathogenic (1). Last evaluated 2026-11-06.

Conditions:
BAP1-related tumor predisposition syndrome (TPDS1). Also called: COMMON Syndrome; TUMOR PREDISPOSITION SYNDROME 1; BAP1 tumor predisposition syndrome; Tumor susceptibility linked to germline BAP1 mutations. Identifiers: Orphanet 289539, MedGen C3280492, MONDO:0013692, OMIM 614327.
Hereditary cancer-predisposing syndrome. Also called: Hereditary neoplastic syndrome; Neoplastic Syndromes, Hereditary; Tumor predisposition; Hereditary Cancer Syndrome. Identifiers: Orphanet 140162, MedGen C0027672, MeSH D009386, MONDO:0015356.

Submissions (2):

Clinical Genetics Laboratory, Skane University Hospital Lund
Classification: Likely pathogenic for BAP1-related tumor predisposition syndrome. Last evaluated: 2026-11-06. Review status: criteria provided, single submitter. Criteria: ACMG Guidelines, 2015. Collection method: clinical testing. Allele origin: germline. Affected: yes.
Comment: ACMG criteria used: PVS1, PM2.

Ambry Genetics
Classification: Pathogenic for Hereditary cancer-predisposing syndrome. Last evaluated: 2019-11-27. Review status: criteria provided, single submitter. Criteria: Ambry Variant Classification Scheme 2023. Collection method: clinical testing. Allele origin: germline.
Comment: The c.58_59insTG pathogenic mutation, located in coding exon 2 of the BAP1 gene, results from an insertion of two nucleotides at position 58, causing a translational frameshift with a predicted alternate stop codon (p.E20Vfs*53). This alteration was identified in an individual with uveal melanoma (Ewens KG et al. BMC Cancer, 2018 Nov;18:1172). In addition to the clinical data presented in the literature, this alteration is expected to result in loss of function by premature protein truncation or nonsense-mediated mRNA decay. As such, this alteration is interpreted as a disease-causing mutation.

Literature cited by the submitters: PubMed 30477459 (cited by Ambry Genetics).

NM_004656.4(BAP1):c.58_59insTG (p.Glu20fs)

Gene: BAP1 (BRCA1 associated deubiquitinase 1; minus strand). Cytogenetic location: 3p21.1.
Variant type: Insertion.
Coding change: c.58_59insTG on transcript NM_004656.4 (MANE Select); coding-DNA positions 58 to 59, TG inserted.
Protein change: p.Glu20fs; shifts the reading frame from glutamic acid 20.
Molecular consequence: frameshift variant.
Genome position: GRCh38 VCF-style: chr3-52409722-T-TCA. GRCh37 (hg19) VCF-style: chr3-52443738-T-TCA.
Other names: c.57_58insGT, p.Glu20Valfs (NM_001410772.1); c.58_59insTG (NM_004656.2); short protein forms E20fs.
Identifiers: ClinVar variation 1749775 (VCV001749775.3), dbSNP rs2471366048, ClinGen allele CA645530036.